The following is an entry in ClinVar:

NM_000969.5(RPL5):c.189+2dup

Genes: DIPK1A (divergent protein kinase domain 1A; minus strand), RPL5 (ribosomal protein L5; plus strand). Cytogenetic location: 1p22.1.
Variant type: Duplication.
Coding change: c.189+2dup on transcript NM_000969.5 (MANE Select); the canonical splice donor site of the intron after coding-DNA position 189, one base duplicated (T; older notation c.189+2dupT).
Molecular consequence: splice donor variant. On other transcripts: intron variant (1).
Genome position (GRCh38, 1-based): chr1:92,833,662, T duplicated. VCF-style (leftmost placement, unchanged base first): chr1-92833661-G-GT. GRCh37 (hg19) VCF-style: chr1-93299218-G-GT.
Other names: c.475-628dup (NM_001252273.2).
Identifiers: ClinVar variation 4739068 (VCV004739068.1).

ClinVar aggregate classification (germline): Uncertain significance (1 of 4 stars; one submission).

Conditions:
Diamond-Blackfan anemia. Also called: Blackfan Diamond syndrome; Aregenerative anemia chronic congenital; Red cell aplasia, pure hereditary; Congenital hypoplastic anemia; Aase syndrome. Identifiers: Orphanet 124, MedGen C1260899, MeSH D029503, MONDO:0015253, HP:0004810.

Submission:

Labcorp Genetics (formerly Invitae), Labcorp
Classification: Uncertain significance for Diamond-Blackfan anemia. Last evaluated: 2025-12-15. Review status: criteria provided, single submitter. Criteria: Invitae Variant Classification Sherloc (09022015). Collection method: clinical testing. Allele origin: germline.
Comment: This sequence change falls in intron 3 of the RPL5 gene. It does not directly change the encoded amino acid sequence of the RPL5 protein. It affects a nucleotide within the consensus splice site. This variant is not present in population databases (gnomAD no frequency). This variant has been observed in individual(s) with Diamond-Blackfan anemia (PMID: 30503522). This variant is also known as chr1:93299218:G>GT. Variants that disrupt the consensus splice site are a relatively common cause of aberrant splicing (PMID: 17576681, 9536098). Algorithms developed to predict the effect of sequence changes on RNA splicing suggest that this variant may disrupt the consensus splice site. In summary, the available evidence is currently insufficient to determine the role of this variant in disease. Therefore, it has been classified as a Variant of Uncertain Significance.

Literature cited by the submitters: PubMed 30503522; PubMed 17576681; PubMed 9536098.